The following is an entry in ClinVar:

NM_001042492.3(NF1):c.3253_3254del (p.Leu1085fs)

Gene: NF1 (neurofibromin 1; plus strand). Cytogenetic location: 17q11.2.
Variant type: Microsatellite.
Coding change: c.3253_3254del on transcript NM_001042492.3 (MANE Select); coding-DNA positions 3253 to 3254, 2 bases deleted (CT; older notation c.3253_3254delCT).
Protein change: p.Leu1085fs; shifts the reading frame from leucine 1085.
Molecular consequence: frameshift variant.
Genome position (GRCh38, 1-based): chr17:31,232,128-31,232,129, CT deleted; deleting any 2 consecutive bases within chr17:31,232,126-31,232,129 gives the same sequence; the c. name uses the placement nearest the transcript's 3' end. VCF-style (leftmost placement, unchanged base first): chr17-31232125-CCT-C. GRCh37 (hg19) VCF-style: chr17-29559143-CCT-C.
Other names: c.3253_3254delCT (NM_000267.3); c.3251_3252CT[1], p.Leu1085Alafs (NM_000267.4); short protein forms L1085fs.
Identifiers: ClinVar variation 1729439 (VCV001729439.2), dbSNP rs2508224147, ClinGen allele CA2580614063.

ClinVar aggregate classification (germline): Pathogenic (1 of 4 stars; one submission).

Conditions:
Hereditary cancer-predisposing syndrome. Also called: Neoplastic Syndromes, Hereditary; Tumor predisposition; Hereditary Cancer Syndrome; Hereditary neoplastic syndrome. Identifiers: Orphanet 140162, MedGen C0027672, MeSH D009386, MONDO:0015356.
Cardiovascular phenotype. Identifiers: MedGen CN230736.

Submission:

Ambry Genetics
Classification: Pathogenic for Cardiovascular phenotype; Hereditary cancer-predisposing syndrome. Last evaluated: 2018-03-28. Review status: criteria provided, single submitter. Criteria: Ambry Variant Classification Scheme 2023. Collection method: clinical testing. Allele origin: germline.
Comment: The c.3253_3254delCT pathogenic mutation, located in coding exon 25 of the NF1 gene, results from a deletion of two nucleotides at nucleotide positions 3253 to 3254, causing a translational frameshift with a predicted alternate stop codon (p.L1085Afs*3). This alteration is expected to result in loss of function by premature protein truncation or nonsense-mediated mRNA decay. As such, this alteration is interpreted as a disease-causing mutation.